The following is an entry in ClinVar:

NM_022552.5(DNMT3A):c.118G>A (p.Glu40Lys)

Gene: DNMT3A (DNA methyltransferase 3 alpha; minus strand). Cytogenetic location: 2p23.3.
Variant type: single nucleotide variant.
Coding change: c.118G>A on transcript NM_022552.5 (MANE Select); coding-DNA position 118, G replaced by A.
Protein change: p.Glu40Lys; replaces glutamic acid 40 with lysine.
Molecular consequence: missense variant. On other transcripts: non-coding transcript variant (1).
Genome position (GRCh38, 1-based): chr2:25,300,198, C>T on the plus strand (G>A on the coding strand, the complement: DNMT3A is on the minus strand). VCF-style: chr2-25300198-C-T. GRCh37 (hg19) VCF-style: chr2-25523067-C-T.
Other names: c.118G>A, p.Glu40Lys (NM_001320892.2, NM_175629.2, NM_175630.1); short protein forms E40K.
Identifiers: ClinVar variation 4994336 (VCV004994336.1).
Genomic context (GRCh38, chr2:25,300,198, plus strand): 5'-CCGGGGGGTGCTTGCGCTTCCTCCCAGGCCGCCCCACCTTCCGTGCCGTGGTGCTGGGCT[C>T]TTGGCGCTCCTCCTTGCCACGCGGCTCCTCCTGCTCCTCTCCGTCCTGCAGGCACAGACA-3'
Protein context (NP_072046.2, residues 30-50): EEPRGKEERQ[Glu40Lys]PSTTARKVGR

ClinVar aggregate classification (germline): Uncertain significance (1 of 4 stars; one submission).

Conditions:
DNMT3A-related disorder. Also called: DNMT3A-related disorders; DNMT3A-related condition.

Submission:

PreventionGenetics, part of Exact Sciences
Classification: Uncertain significance for DNMT3A-related condition. Last evaluated: 2026-04-17. Review status: criteria provided, single submitter. Criteria: ACMG Guidelines, 2015. Collection method: clinical testing. Allele origin: germline.
Comment: The DNMT3A c.118G>A variant is predicted to result in the amino acid substitution p.Glu40Lys. To our knowledge, this variant has not been reported in the literature or in a large population database (gnomAD), indicating this variant is rare. Although we suspect that the c.118G>A (p.Glu40Lys) variant may be pathogenic, at this time, the clinical significance of this variant is uncertain due to the absence of conclusive functional and genetic evidence.